The following is an entry in ClinVar:

ClinVar aggregate classification (germline): Uncertain significance (1 of 4 stars; one submission).

gnomAD v4.1: 41 of 1,609,966 alleles (0.0025%); highest among the groups gnomAD compares: Non-Finnish European, 0.0033%; no homozygotes.

Submission:

Labcorp Genetics (formerly Invitae), Labcorp
Classification: Uncertain significance. Last evaluated: 2024-09-09. Review status: criteria provided, single submitter. Criteria: Invitae Variant Classification Sherloc (09022015). Collection method: clinical testing. Allele origin: germline.
Comment: This sequence change falls in intron 29 of the A2ML1 gene. It does not directly change the encoded amino acid sequence of the A2ML1 protein. It affects a nucleotide within the consensus splice site. The frequency data for this variant in the population databases is considered unreliable, as metrics indicate poor data quality at this position in the gnomAD database. This variant has not been reported in the literature in individuals affected with A2ML1-related conditions. Variants that disrupt the consensus splice site are a relatively common cause of aberrant splicing (PMID: 17576681, 9536098). Algorithms developed to predict the effect of sequence changes on RNA splicing suggest that this variant is not likely to affect RNA splicing. In summary, the available evidence is currently insufficient to determine the role of this variant in disease. Therefore, it has been classified as a Variant of Uncertain Significance.

Literature cited by the submitters: PubMed 17576681; PubMed 9536098.

NM_144670.6(A2ML1):c.3717+5A>C

Gene: A2ML1 (alpha-2-macroglobulin like 1; plus strand). Cytogenetic location: 12p13.31.
Variant type: single nucleotide variant.
Coding change: c.3717+5A>C on transcript NM_144670.6 (MANE Select); 5 bases into the intron after coding-DNA position 3717, A replaced by C.
Molecular consequence: intron variant.
Genome position (GRCh38, 1-based): chr12:8,864,013, A>C. VCF-style: chr12-8864013-A-C. GRCh37 (hg19) VCF-style: chr12-9016609-A-C.
Other names: c.2244+5A>C (NM_001282424.3).
Identifiers: ClinVar variation 3703142 (VCV003703142.2).